The following is an entry in ClinVar:

NM_001363711.2(DUOX2):c.1768T>A (p.Phe590Ile)

Gene: DUOX2 (dual oxidase 2; minus strand). Cytogenetic location: 15q21.1.
Variant type: single nucleotide variant.
Coding change: c.1768T>A on transcript NM_001363711.2 (MANE Select); coding-DNA position 1768, T replaced by A.
Protein change: p.Phe590Ile; replaces phenylalanine 590 with isoleucine.
Molecular consequence: missense variant.
Genome position (GRCh38, 1-based): chr15:45,106,895, A>T on the plus strand (T>A on the coding strand, the complement: DUOX2 is on the minus strand). VCF-style: chr15-45106895-A-T. GRCh37 (hg19) VCF-style: chr15-45399093-A-T.
Other names: c.1768T>A, p.Phe590Ile (NM_014080.5); c.1768T>A (NM_014080.4); short protein forms F590I.
Identifiers: ClinVar variation 3696257 (VCV003696257.3).

ClinVar aggregate classification (germline): Uncertain significance. Review status: criteria provided, multiple submitters, no conflicts (2 of 4 stars). 2 submissions from 2 submitters: Uncertain significance (2). Last evaluated 2025-06-22.

Conditions:
Inborn genetic diseases. Identifiers: MedGen C0950123, MeSH D030342.

gnomAD v4.1: 2 of 1,583,764 alleles (0.00013%); highest among the groups gnomAD compares: Admixed American, 0.0019%; no homozygotes.

Submissions (2):

Ambry Genetics
Classification: Uncertain significance for Inborn genetic diseases. Last evaluated: 2025-06-22. Review status: criteria provided, single submitter. Criteria: Ambry Variant Classification Scheme 2023. Collection method: clinical testing. Allele origin: germline.

Labcorp Genetics (formerly Invitae), Labcorp
Classification: Uncertain significance. Last evaluated: 2024-02-01. Review status: criteria provided, single submitter. Criteria: Invitae Variant Classification Sherloc (09022015). Collection method: clinical testing. Allele origin: germline.
Comment: This sequence change replaces phenylalanine, which is neutral and non-polar, with isoleucine, which is neutral and non-polar, at codon 590 of the DUOX2 protein (p.Phe590Ile). This variant is present in population databases (no rsID available, gnomAD 0.004%). This variant has not been reported in the literature in individuals affected with DUOX2-related conditions. Advanced modeling of protein sequence and biophysical properties (such as structural, functional, and spatial information, amino acid conservation, physicochemical variation, residue mobility, and thermodynamic stability) performed at Invitae indicates that this missense variant is not expected to disrupt DUOX2 protein function with a negative predictive value of 80%. In summary, the available evidence is currently insufficient to determine the role of this variant in disease. Therefore, it has been classified as a Variant of Uncertain Significance.